The following is an entry in ClinVar:

ClinVar aggregate classification (germline): Likely benign (1 of 4 stars; one submission).

gnomAD v4.1: 54 of 1,614,202 alleles (0.0033%); highest among the groups gnomAD compares: Admixed American, 0.088%; 1 homozygote.

Submission:

CeGaT Center for Human Genetics Tuebingen
Classification: Likely benign. Last evaluated: 2026-10-01. Review status: criteria provided, single submitter. Criteria: CeGaT Center For Human Genetics Tuebingen Variant Classification Criteria Version 2. Collection method: clinical testing. Allele origin: germline. Affected: yes. Observed: 3 variant alleles.
Comment: SPEN: BP4, BP7

NM_015001.3(SPEN):c.7992G>C (p.Pro2664=)

Gene: SPEN (spen family transcriptional repressor; plus strand). Cytogenetic location: 1p36.13.
Variant type: single nucleotide variant.
Coding change: c.7992G>C on transcript NM_015001.3 (MANE Select); coding-DNA position 7992, G replaced by C.
Protein change: p.Pro2664=; no amino-acid change (proline 2664 retained).
Molecular consequence: synonymous variant.
Genome position (GRCh38, 1-based): chr1:15,934,232, G>C. VCF-style: chr1-15934232-G-C. GRCh37 (hg19) VCF-style: chr1-16260727-G-C.
Identifiers: ClinVar variation 3389629 (VCV003389629.14).